The following is an entry in ClinVar:

ClinVar aggregate classification (germline): Uncertain significance (1 of 4 stars; one submission).

Conditions:
Koolen-de Vries syndrome (KDVS). Identifiers: Orphanet 96169, MedGen C1864871, MONDO:0012496, OMIM 610443.

Allele frequency attached by ClinVar (database versions not stated): ExAC 0.00001; gnomAD exomes below 0.00001.
gnomAD v4.1: 2 of 1,614,192 alleles (0.00012%); highest among the groups gnomAD compares: Non-Finnish European, 0.00017%; no homozygotes.

Submission:

Labcorp Genetics (formerly Invitae), Labcorp
Classification: Uncertain significance for Koolen-de Vries syndrome. Last evaluated: 2020-04-08. Review status: criteria provided, single submitter. Criteria: Invitae Variant Classification Sherloc (09022015). Collection method: clinical testing. Allele origin: germline.
Comment: In summary, the available evidence is currently insufficient to determine the role of this variant in disease. Therefore, it has been classified as a Variant of Uncertain Significance. Algorithms developed to predict the effect of sequence changes on RNA splicing suggest that this variant may create or strengthen a splice site, but this prediction has not been confirmed by published transcriptional studies. Algorithms developed to predict the effect of missense changes on protein structure and function (SIFT, PolyPhen-2, Align-GVGD) all suggest that this variant is likely to be disruptive, but these predictions have not been confirmed by published functional studies and their clinical significance is uncertain. This variant has not been reported in the literature in individuals with KANSL1-related conditions. This variant is present in population databases (rs758071565, ExAC 0.001%). This sequence change replaces histidine with aspartic acid at codon 819 of the KANSL1 protein (p.His819Asp). The histidine residue is highly conserved and there is a moderate physicochemical difference between histidine and aspartic acid.

NM_015443.4(KANSL1):c.2455C>G (p.His819Asp)

Gene: KANSL1 (KAT8 regulatory NSL complex subunit 1). Cytogenetic location: 17q21.31.
Variant type: single nucleotide variant.
Coding change: c.2455C>G on transcript NM_015443.4 (MANE Select); coding-DNA position 2455, C replaced by G.
Protein change: p.His819Asp; replaces histidine 819 with aspartic acid.
Molecular consequence: missense variant.
Genome position (GRCh38, 1-based): chr17:46,038,624, G>C on the plus strand (C>G on the coding strand, the complement: KANSL1 is on the minus strand). VCF-style: chr17-46038624-G-C. GRCh37 (hg19) VCF-style: chr17-44115990-G-C.
Other names: c.2455C>G, p.His819Asp (NM_001193465.2, NM_001193466.2, NM_001379198.1); short protein forms H819D.
Identifiers: ClinVar variation 1022287 (VCV001022287.8), dbSNP rs758071565, ClinGen allele CA8618561.